The following is an entry in ClinVar:

ClinVar aggregate classification (germline): Uncertain significance (1 of 4 stars; one submission).

Submission:

Women's Health and Genetics/Laboratory Corporation of America, LabCorp
Classification: Uncertain significance. Last evaluated: 2022-07-08. Review status: criteria provided, single submitter. Criteria: LabCorp Variant Classification Summary - May 2015. Collection method: clinical testing. Allele origin: germline.
Comment: Variant summary: The variant identified by MLPA or other technology involves the duplication of exons 1-13 in the NCF2 gene, and includes the initiation codon. A presumed nomenclature of c.(?_-276)_(1290+1_1291-1)dup has been designated for the purposes of this classification. It has been assumed that this is a tandem duplication in direct orientation (Richardson_GIM_2018, Newman_AJHG_2015). The variant allele was found at a frequency of 9.2e-05 in 21694 control chromosomes (gnomAD, Structural Variants dataset). The available data on variant occurrences in the general population are insufficient to allow any conclusion about variant significance. To our knowledge, no occurrence of c.(?_-276)_(1290+1_1291-1)dup in individuals affected with Chronic Granulomatous Disease and no experimental evidence demonstrating its impact on protein function have been reported. No clinical diagnostic laboratories have submitted clinical-significance assessments for this variant to ClinVar after 2014. Based on the evidence outlined above, the variant was classified as uncertain significance.

NC_000001.10:g.(183529409_183532329)_(183559740_?)dup

Gene: NCF2 (neutrophil cytosolic factor 2; minus strand). Cytogenetic location: 1q25.3.
Variant type: Duplication.
Identifiers: ClinVar variation 1704498 (VCV001704498.1).